The following is an entry in ClinVar:

NM_015662.3(IFT172):c.449G>C (p.Gly150Ala)

Gene: IFT172 (intraflagellar transport 172; minus strand). Cytogenetic location: 2p23.3.
Variant type: single nucleotide variant.
Coding change: c.449G>C on transcript NM_015662.3 (MANE Select); coding-DNA position 449, G replaced by C.
Protein change: p.Gly150Ala; replaces glycine 150 with alanine.
Molecular consequence: missense variant.
Genome position (GRCh38, 1-based): chr2:27,483,613, C>G on the plus strand (G>C on the coding strand, the complement: IFT172 is on the minus strand). VCF-style: chr2-27483613-C-G. GRCh37 (hg19) VCF-style: chr2-27706480-C-G.
Other names: c.449G>C (NM_015662.1); short protein forms G150A.
Identifiers: ClinVar variation 649457 (VCV000649457.13), dbSNP rs368343162, ClinGen allele CA1580981.

ClinVar aggregate classification (germline): Conflicting classifications of pathogenicity. Review status: criteria provided, conflicting classifications (1 of 4 stars). 5 submissions from 5 submitters: Uncertain significance (2); Likely benign (2). 1 of the submissions does not count toward it. Last evaluated 2026-01-07.

Conditions:
Retinitis pigmentosa 71 (RP71). Identifiers: Orphanet 791, MedGen C4225342, MONDO:0014618, OMIM 616394.
Short-rib thoracic dysplasia 10 with or without polydactyly (SRTD10). Identifiers: Orphanet 474, MedGen C3810175, MONDO:0014284, OMIM 615630.
Bardet-Biedl syndrome 20. Identifiers: MedGen C4310707, MONDO:0023670, OMIM 619471, MONDO:0014926.
IFT172-related disorder. Also called: IFT172-related disorders; IFT172-related condition.
Inborn genetic diseases. Identifiers: MedGen C0950123, MeSH D030342.

Allele frequency attached by ClinVar (database versions not stated): gnomAD exomes 0.00001 and 0.00008; TOPMed 0.00008; ExAC 0.00011; gnomAD 0.00012 and 0.00013.
gnomAD v4.1: 105 of 1,613,954 alleles (0.0065%); highest among the groups gnomAD compares: East Asian, 0.033%; 3 homozygotes.

Submissions (5):

Labcorp Genetics (formerly Invitae), Labcorp
Classification: Likely benign for Retinitis pigmentosa 71; Short-rib thoracic dysplasia 10 with or without polydactyly. Last evaluated: 2026-01-07. Review status: criteria provided, single submitter. Criteria: Invitae Variant Classification Sherloc (09022015). Collection method: clinical testing. Allele origin: germline.

Blueprint Genetics
Classification: Likely benign. Last evaluated: 2024-11-06. Review status: criteria provided, single submitter. Criteria: ACMG Guidelines, 2015. Collection method: clinical testing. Allele origin: germline.

Fulgent Genetics
Classification: Uncertain significance for Short-rib thoracic dysplasia 10 with or without polydactyly; Retinitis pigmentosa 71; Bardet-Biedl syndrome 20. Last evaluated: 2024-03-06. Review status: criteria provided, single submitter. Criteria: ACMG Guidelines, 2015. Collection method: clinical testing. Allele origin: germline.

Ambry Genetics
Classification: Uncertain significance for Inborn genetic diseases. Last evaluated: 2022-08-09. Review status: criteria provided, single submitter. Criteria: Ambry Variant Classification Scheme 2023. Collection method: clinical testing. Allele origin: germline.

PreventionGenetics, part of Exact Sciences
Classification: Likely benign for IFT172-related condition. Last evaluated: 2020-02-10. Review status: no assertion criteria provided. Collection method: clinical testing. Allele origin: germline. Not counted in ClinVar's aggregate classification.
Comment: This variant is classified as likely benign based on ACMG/AMP sequence variant interpretation guidelines (Richards et al. 2015 PMID: 25741868, with internal and published modifications).

Literature cited by the submitters: PubMed 31475041 (cited by Ambry Genetics).